The following is an entry in ClinVar:

NM_016614.3(TDP2):c.75G>A (p.Arg25=)

Genes: TDP2 (tyrosyl-DNA phosphodiesterase 2; minus strand), LOC113174982 (Sharpr-MPRA regulatory region 5933; plus strand). Cytogenetic location: 6p22.3.
Variant type: single nucleotide variant.
Coding change: c.75G>A on transcript NM_016614.3 (MANE Select); coding-DNA position 75, G replaced by A.
Protein change: p.Arg25=; no amino-acid change (arginine 25 retained).
Molecular consequence: synonymous variant.
Genome position (GRCh38, 1-based): chr6:24,666,788, C>T on the plus strand (G>A on the coding strand, the complement: TDP2 is on the minus strand). VCF-style: chr6-24666788-C-T. GRCh37 (hg19) VCF-style: chr6-24667016-C-T.
Other names: p.Arg25=.
Identifiers: ClinVar variation 1695151 (VCV001695151.33), dbSNP rs151213624, ClinGen allele CA3658295.
Genomic context (GRCh38, chr6:24,666,788, plus strand): 5'-GCACTGAGCCACTGCGGCATCGCAGCTTGCGACCGAGGCAAACTCCACACACAGAAGTCG[C>T]CGCTTTTTCACCTCAGGCTCGCCCTCTTCCTCCGCCGCCTCCCTCCCGCCCTCCAGGCAA-3'
Protein context (NP_057698.2, residues 15-35): EEEGEPEVKK[Arg25=]RLLCVEFASV

ClinVar aggregate classification (germline): Likely benign. Review status: criteria provided, multiple submitters, no conflicts (2 of 4 stars). 3 submissions from 3 submitters: Likely benign (3). Last evaluated 2026-06-01.

Allele frequency attached by ClinVar (database versions not stated): gnomAD exomes 0.00040 and 0.00066; gnomAD 0.00043; ESP Exome Variant Server 0.00046; 1000 Genomes Project 30x 0.00047; 1000 Genomes Project 0.00060; ExAC 0.00063.
gnomAD v4.1: 671 of 1,614,254 alleles (0.042%); highest among the groups gnomAD compares: South Asian, 0.071%; 3 homozygotes.

Submissions (3):

CeGaT Center for Human Genetics Tuebingen
Classification: Likely benign. Last evaluated: 2026-06-01. Review status: criteria provided, single submitter. Criteria: CeGaT Center For Human Genetics Tuebingen Variant Classification Criteria Version 2. Collection method: clinical testing. Allele origin: germline. Affected: yes. Observed: 7 variant alleles.
Comment: TDP2: BP4, BP7

Mayo Clinic Laboratories, Mayo Clinic
Classification: Likely benign. Last evaluated: 2025-08-19. Review status: criteria provided, single submitter. Criteria: ACMG Guidelines, 2015. Collection method: clinical testing. Allele origin: germline. Observed: 1 variant allele.
Comment: BS1, BP4, BP7

Blueprint Genetics
Classification: Likely benign. Last evaluated: 2024-09-10. Review status: criteria provided, single submitter. Criteria: ACMG Guidelines, 2015. Collection method: clinical testing. Allele origin: germline.